The following is an entry in ClinVar:

ClinVar aggregate classification (germline): Pathogenic. Review status: criteria provided, multiple submitters, no conflicts (2 of 4 stars). 2 submissions from 2 submitters: Pathogenic (2). Last evaluated 2023-10-19.

Conditions:
Argininosuccinate lyase deficiency. Also called: Argininosuccinic aciduria; ARGININOSUCCINIC ACID LYASE DEFICIENCY; ASL DEFICIENCY. Identifiers: Orphanet 23, MedGen C0268547, MONDO:0008815, OMIM 207900, HP:0025630.

Submissions (2):

Labcorp Genetics (formerly Invitae), Labcorp
Classification: Pathogenic for Argininosuccinate lyase deficiency. Last evaluated: 2023-10-19. Review status: criteria provided, single submitter. Criteria: Invitae Variant Classification Sherloc (09022015). Collection method: clinical testing. Allele origin: germline.
Comment: This sequence change affects an acceptor splice site in intron 9 of the ASL gene. It is expected to disrupt RNA splicing. Variants that disrupt the donor or acceptor splice site typically lead to a loss of protein function (PMID: 16199547), and loss-of-function variants in ASL are known to be pathogenic (PMID: 2263616, 24166829). This variant is not present in population databases (gnomAD no frequency). Disruption of this splice site has been observed in individual(s) with argininosuccinate lyase deficiency (PMID: 17326097). In at least one individual the data is consistent with being in trans (on the opposite chromosome) from a pathogenic variant. Algorithms developed to predict the effect of sequence changes on RNA splicing suggest that this variant may disrupt the consensus splice site. For these reasons, this variant has been classified as Pathogenic.

Baylor Genetics
Classification: Pathogenic for Argininosuccinate lyase deficiency. Last evaluated: 2023-09-26. Review status: criteria provided, single submitter. Criteria: ACMG Guidelines, 2015. Collection method: clinical testing. Allele origin: unknown.

Literature cited by the submitters: PubMed 16199547 (cited by Labcorp Genetics (formerly Invitae), Labcorp); PubMed 2263616 (cited by Labcorp Genetics (formerly Invitae), Labcorp); PubMed 24166829 (cited by Labcorp Genetics (formerly Invitae), Labcorp); PubMed 17326097 (cited by Labcorp Genetics (formerly Invitae), Labcorp).

NM_000048.4(ASL):c.656-1G>A

Gene: ASL (argininosuccinate lyase; plus strand). Cytogenetic location: 7q11.21.
Variant type: single nucleotide variant.
Coding change: c.656-1G>A on transcript NM_000048.4 (MANE Select); the canonical splice acceptor site of the intron before coding-DNA position 656, G replaced by A.
Molecular consequence: splice acceptor variant.
Genome position (GRCh38, 1-based): chr7:66,087,728, G>A. VCF-style: chr7-66087728-G-A. GRCh37 (hg19) VCF-style: chr7-65552715-G-A.
Other names: c.656-1G>A (NM_001024943.2, NM_001024944.2); c.578-1G>A (NM_001024946.2).
Identifiers: ClinVar variation 2678643 (VCV002678643.4), dbSNP rs2485013529, ClinGen allele CA367644367.